The following is an entry in ClinVar:

NM_000219.6(KCNE1):c.-162+13G>A

Gene: KCNE1 (potassium voltage-gated channel subfamily E regulatory subunit 1; minus strand). Cytogenetic location: 21q22.12.
Variant type: single nucleotide variant.
Coding change: c.-162+13G>A on transcript NM_000219.6 (MANE Select); 13 bases into the intron after 162 bases upstream of the start codon, G replaced by A.
Molecular consequence: intron variant.
Genome position (GRCh38, 1-based): chr21:34,511,088, C>T on the plus strand (G>A on the coding strand, the complement: KCNE1 is on the minus strand). VCF-style: chr21-34511088-C-T. GRCh37 (hg19) VCF-style: chr21-35883386-C-T.
Other names: c.-134+13G>A (NM_001270403.2); c.-51+13G>A (NM_001270404.3); c.-162+13G>A (NM_001270402.3).
Identifiers: ClinVar variation 379040 (VCV000379040.1), dbSNP rs540473636, ClinGen allele CA16608052.

ClinVar aggregate classification (germline): Likely benign (1 of 4 stars; one submission).

Allele frequency attached by ClinVar (database versions not stated): gnomAD below 0.00001 and 0.00009; TOPMed 0.00003; gnomAD exomes 0.00007; 1000 Genomes Project 0.00080; 1000 Genomes Project 30x 0.00094.
gnomAD v4.1: 73 of 955,766 alleles (0.0076%); highest among the groups gnomAD compares: South Asian, 0.3%; 1 homozygote.

Submission:

GeneDx
Classification: Likely benign. Last evaluated: 2017-09-14. Review status: criteria provided, single submitter. Criteria: GeneDx Variant Classification (06012015). Collection method: clinical testing. Allele origin: germline. Affected: yes.
Comment: This variant is considered likely benign or benign based on one or more of the following criteria: it is a conservative change, it occurs at a poorly conserved position in the protein, it is predicted to be benign by multiple in silico algorithms, and/or has population frequency not consistent with disease.